The following is an entry in ClinVar:

ClinVar aggregate classification (germline): Uncertain significance (1 of 4 stars; one submission).

Allele frequency attached by ClinVar (database versions not stated): TOPMed 0.00001.
gnomAD v4.1: 20 of 1,613,832 alleles (0.0012%); highest among the groups gnomAD compares: Non-Finnish European, 0.0017%; no homozygotes.

Submission:

Labcorp Genetics (formerly Invitae), Labcorp
Classification: Uncertain significance. Last evaluated: 2022-06-16. Review status: criteria provided, single submitter. Criteria: Invitae Variant Classification Sherloc (09022015). Collection method: clinical testing. Allele origin: germline.
Comment: In summary, the available evidence is currently insufficient to determine the role of this variant in disease. Therefore, it has been classified as a Variant of Uncertain Significance. Variants that disrupt the consensus splice site are a relatively common cause of aberrant splicing (PMID: 17576681, 9536098). Algorithms developed to predict the effect of sequence changes on RNA splicing suggest that this variant may disrupt the consensus splice site. Algorithms developed to predict the effect of missense changes on protein structure and function are either unavailable or do not agree on the potential impact of this missense change (SIFT: "Not Available"; PolyPhen-2: "Possibly Damaging"; Align-GVGD: "Not Available"). This variant has not been reported in the literature in individuals affected with TYROBP-related conditions. This variant is present in population databases (rs758290972, gnomAD 0.003%). This sequence change replaces aspartic acid, which is acidic and polar, with tyrosine, which is neutral and polar, at codon 32 of the TYROBP protein (p.Asp32Tyr). This variant also falls at the last nucleotide of exon 2, which is part of the consensus splice site for this exon.

Literature cited by the submitters: PubMed 17576681; PubMed 9536098.

NM_003332.4(TYROBP):c.94G>T (p.Asp32Tyr)

Gene: TYROBP (transmembrane immune signaling adaptor TYROBP; minus strand). Cytogenetic location: 19q13.12.
Variant type: single nucleotide variant.
Coding change: c.94G>T on transcript NM_003332.4 (MANE Select); coding-DNA position 94, G replaced by T.
Protein change: p.Asp32Tyr; replaces aspartic acid 32 with tyrosine.
Molecular consequence: missense variant. On other transcripts: intron variant (2).
Genome position (GRCh38, 1-based): chr19:35,907,730, C>A on the plus strand (G>T on the coding strand, the complement: TYROBP is on the minus strand). VCF-style: chr19-35907730-C-A. GRCh37 (hg19) VCF-style: chr19-36398632-C-A.
Other names: c.94G>T, p.Asp32Tyr (NM_198125.3); c.62-150G>T (NM_001173515.2, NM_001173514.2); short protein forms D32Y.
Identifiers: ClinVar variation 2052028 (VCV002052028.4), dbSNP rs758290972, ClinGen allele CA9393126.